The following is an entry in ClinVar:

ClinVar aggregate classification (germline): Uncertain significance (1 of 4 stars; one submission).

Submission:

GeneDx
Classification: Uncertain significance. Last evaluated: 2024-06-05. Review status: criteria provided, single submitter. Criteria: GeneDx Variant Classification Process June 2021. Collection method: clinical testing. Allele origin: germline. Affected: yes.
Comment: Not observed at significant frequency in large population cohorts (gnomAD); In silico analysis indicates that this missense variant does not alter protein structure/function; Has not been previously published as pathogenic or benign to our knowledge

NM_022841.7(RFX7):c.3373T>C (p.Ser1125Pro)

Gene: RFX7 (regulatory factor X7; minus strand). Cytogenetic location: 15q21.3.
Variant type: single nucleotide variant.
Coding change: c.3373T>C on transcript NM_022841.7 (MANE Select); coding-DNA position 3373, T replaced by C.
Protein change: p.Ser1125Pro; replaces serine 1125 with proline.
Molecular consequence: missense variant.
Genome position (GRCh38, 1-based): chr15:56,094,355, A>G on the plus strand (T>C on the coding strand, the complement: RFX7 is on the minus strand). VCF-style: chr15-56094355-A-G. GRCh37 (hg19) VCF-style: chr15-56386553-A-G.
Other names: c.3082T>C, p.Ser1028Pro (NM_001368073.2, NM_001368074.1, NM_001370554.1); c.3373T>C, p.Ser1125Pro (NM_001370561.1); short protein forms S1028P, S1125P.
Identifiers: ClinVar variation 3384247 (VCV003384247.1).
Genomic context (GRCh38, chr15:56,094,355, plus strand): 5'-CTGCAAAACCCTCCTGTTTGTTGGTGTTATTTACAGTGGCACCTTGATGCTGCACAGGAG[A>G]GACAGGAGTCAAACGACCAAAATGAGTGTCATGATGTCTGGATTGAGACTGATAAGACTG-3'
Protein context (NP_073752.6, residues 1115-1135): DTHFGRLTPV[Ser1125Pro]PVQHQGATVN